The following is an entry in ClinVar:

NM_000214.3(JAG1):c.404T>A (p.Leu135His)

Gene: JAG1 (jagged canonical Notch ligand 1; minus strand). Cytogenetic location: 20p12.2.
Variant type: single nucleotide variant.
Coding change: c.404T>A on transcript NM_000214.3 (MANE Select); coding-DNA position 404, T replaced by A.
Protein change: p.Leu135His; replaces leucine 135 with histidine.
Molecular consequence: missense variant.
Genome position (GRCh38, 1-based): chr20:10,663,998, A>T on the plus strand (T>A on the coding strand, the complement: JAG1 is on the minus strand). VCF-style: chr20-10663998-A-T. GRCh37 (hg19) VCF-style: chr20-10644646-A-T.
Other names: short protein forms L135H.
Identifiers: ClinVar variation 3573300 (VCV003573300.2).
Genomic context (GRCh38, chr20:10,663,998, plus strand): 5'-AAAAGTCCACAGAAGCGATACTTACGAACGGTGTCATTACTGGAATCCCACGCCTCCACA[A>T]GCAACGTATAGGACCTCTGCAAGACAAACAAACAATTTAGCAATTCAGAAACAGGGTCGA-3'
Protein context (NP_000205.1, residues 125-145): SFAWPRSYTL[Leu135His]VEAWDSSNDT

Conditions:
Arteriohepatic dysplasia. Also called: Alagille Syndrome. Identifiers: Orphanet 52, MedGen C0085280, MeSH D016738, MONDO:0007318.

Submission:

Gilbert/Spinner Lab, Children's Hospital of Philadelphia
No classification provided (evidence only). Condition: Alagille syndrome. Review status: no classification provided. Collection method: research. Allele origin: not applicable. Functional consequence: functionally_abnormal.
ClinVar note: "not provided" was previously submitted as the classification for the variant. However, the classification appeared to be based only on an observation of functional data so it was converted to no classification on 2025-07-30.